The following is an entry in ClinVar:

ClinVar aggregate classification (germline): Uncertain significance (1 of 4 stars; one submission).

gnomAD v4.1: 11 of 1,613,978 alleles (0.00068%); highest among the groups gnomAD compares: Non-Finnish European, 0.00076%; no homozygotes.

Submission:

Labcorp Genetics (formerly Invitae), Labcorp
Classification: Uncertain significance. Last evaluated: 2025-04-20. Review status: criteria provided, single submitter. Criteria: Invitae Variant Classification Sherloc (09022015). Collection method: clinical testing. Allele origin: germline.
Comment: This sequence change replaces proline, which is neutral and non-polar, with arginine, which is basic and polar, at codon 622 of the REPS1 protein (p.Pro622Arg). This variant is present in population databases (rs375415861, gnomAD 0.0009%). This variant has not been reported in the literature in individuals affected with REPS1-related conditions. Invitae Evidence Modeling of protein sequence and biophysical properties (such as structural, functional, and spatial information, amino acid conservation, physicochemical variation, residue mobility, and thermodynamic stability) has been performed for this missense variant. However, the output from this modeling did not meet the statistical confidence thresholds required to predict the impact of this variant on REPS1 protein function. In summary, the available evidence is currently insufficient to determine the role of this variant in disease. Therefore, it has been classified as a Variant of Uncertain Significance.

NM_001286611.2(REPS1):c.1865C>G (p.Pro622Arg)

Gene: REPS1 (RALBP1 associated Eps domain containing 1; minus strand). Cytogenetic location: 6q24.1.
Variant type: single nucleotide variant.
Coding change: c.1865C>G on transcript NM_001286611.2 (MANE Select); coding-DNA position 1865, C replaced by G.
Protein change: p.Pro622Arg; replaces proline 622 with arginine.
Molecular consequence: missense variant.
Genome position (GRCh38, 1-based): chr6:138,912,871, G>C on the plus strand (C>G on the coding strand, the complement: REPS1 is on the minus strand). VCF-style: chr6-138912871-G-C. GRCh37 (hg19) VCF-style: chr6-139234008-G-C.
Other names: c.1784C>G, p.Pro595Arg (NM_001128617.3); c.1592C>G, p.Pro531Arg (NM_001286612.2); c.1862C>G, p.Pro621Arg (NM_031922.5); short protein forms P531R, P622R, P621R, P595R.
Identifiers: ClinVar variation 4754607 (VCV004754607.1).
Genomic context (GRCh38, chr6:138,912,871, plus strand): 5'-TTTACATTTGATGCAGCAAATACTTCAAACTGACTGAAATCTGCAAAATTTGGTTGCTCT[G>C]GTATCTGCTGAGGTGAGGTACTAGTGTGAGTTATGAGGCCATCGGCATCCACTGGGCGAT-3'
Protein context (NP_001273540.1, residues 612-632): THTSTSPQQI[Pro622Arg]EQPNFADFSQ